The following is an entry in ClinVar:

NM_000535.7(PMS2):c.537+5A>C

Gene: PMS2 (PMS1 homolog 2, mismatch repair system component; minus strand). Cytogenetic location: 7p22.1.
Variant type: single nucleotide variant.
Coding change: c.537+5A>C on transcript NM_000535.7 (MANE Select); 5 bases into the intron after coding-DNA position 537, A replaced by C.
Molecular consequence: intron variant.
Genome position (GRCh38, 1-based): chr7:6,002,448, T>G on the plus strand (A>C on the coding strand, the complement: PMS2 is on the minus strand). VCF-style: chr7-6002448-T-G. GRCh37 (hg19) VCF-style: chr7-6042079-T-G.
Other names: c.219+5A>C (NM_001322008.2, NM_001406902.1, NM_001406883.1 and 4 more transcripts); c.228+5A>C (NM_001406881.1, NM_001406879.1, NM_001322015.2 and 6 more transcripts); c.132+5A>C (NM_001406895.1, NM_001406911.1, NM_001322010.2 and 24 more transcripts); c.-348+5A>C (NM_001322012.2, NM_001322011.2); c.250+1524A>C (NM_001406885.1); c.537+5A>C (NM_001406886.1, NM_001406884.1, NM_001406874.1 and 8 more transcripts); c.561+5A>C (NM_001406868.1); c.723+5A>C (NM_001406866.1).
Identifiers: ClinVar variation 2774148 (VCV002774148.2), dbSNP rs1562688519, ClinGen allele CA2697557107.

ClinVar aggregate classification (germline): Uncertain significance (1 of 4 stars; one submission).

Conditions:
Hereditary cancer-predisposing syndrome. Also called: Hereditary neoplastic syndrome; Hereditary Cancer Syndrome; Neoplastic Syndromes, Hereditary; Tumor predisposition. Identifiers: Orphanet 140162, MedGen C0027672, MeSH D009386, MONDO:0015356.

Submission:

Color Diagnostics, LLC DBA Color Health
Classification: Uncertain significance for Hereditary cancer-predisposing syndrome. Last evaluated: 2023-06-28. Review status: criteria provided, single submitter. Criteria: ACMG Guidelines, 2015. Collection method: clinical testing. Allele origin: germline.
Comment: This variant causes an A to C nucleotide substitution at the +5 position of intron 5 of the PMS2 gene. To our knowledge, functional studies have not been reported for this variant. This variant has not been reported in individuals affected with PMS2-related disorders in the literature. This variant has not been identified in the general population by the Genome Aggregation Database (gnomAD). The available evidence is insufficient to determine the role of this variant in disease conclusively. Therefore, this variant is classified as a Variant of Uncertain Significance.